The following is an entry in ClinVar:

ClinVar aggregate classification (germline): Uncertain significance. Review status: criteria provided, multiple submitters, no conflicts (2 of 4 stars). 2 submissions from 2 submitters: Uncertain significance (2). Last evaluated 2024-11-11.

Conditions:
Hereditary cancer-predisposing syndrome. Also called: Neoplastic Syndromes, Hereditary; Hereditary neoplastic syndrome; Hereditary Cancer Syndrome; Tumor predisposition. Identifiers: Orphanet 140162, MedGen C0027672, MeSH D009386, MONDO:0015356.
Tuberous sclerosis 2 (TSC2). Identifiers: Orphanet 805, MedGen C1860707, MONDO:0013199, OMIM 613254.

Allele frequency attached by ClinVar (database versions not stated): gnomAD exomes below 0.00001.
gnomAD v4.1: 1 of 1,613,890 alleles (0.000062%); highest among the groups gnomAD compares: Non-Finnish European, 0.000085%; no homozygotes.

Submissions (2):

Labcorp Genetics (formerly Invitae), Labcorp
Classification: Uncertain significance for Tuberous sclerosis 2. Last evaluated: 2024-11-11. Review status: criteria provided, single submitter. Criteria: Invitae Variant Classification Sherloc (09022015). Collection method: clinical testing. Allele origin: germline.
Comment: This sequence change replaces methionine, which is neutral and non-polar, with valine, which is neutral and non-polar, at codon 201 of the TSC2 protein (p.Met201Val). This variant is not present in population databases (gnomAD no frequency). This variant has not been reported in the literature in individuals affected with TSC2-related conditions. ClinVar contains an entry for this variant (Variation ID: 946307). An algorithm developed to predict the effect of missense changes on protein structure and function (PolyPhen-2) suggests that this variant is likely to be tolerated. In summary, the available evidence is currently insufficient to determine the role of this variant in disease. Therefore, it has been classified as a Variant of Uncertain Significance.

Ambry Genetics
Classification: Uncertain significance for Hereditary cancer-predisposing syndrome. Last evaluated: 2023-12-20. Review status: criteria provided, single submitter. Criteria: Ambry Variant Classification Scheme 2023. Collection method: clinical testing. Allele origin: germline.
Comment: The p.M201V variant (also known as c.601A>G), located in coding exon 6 of the TSC2 gene, results from an A to G substitution at nucleotide position 601. The methionine at codon 201 is replaced by valine, an amino acid with highly similar properties. This amino acid position is not well conserved in available vertebrate species. In addition, the in silico prediction for this alteration is inconclusive. Since supporting evidence is limited at this time, the clinical significance of this alteration remains unclear.

NM_000548.5(TSC2):c.601A>G (p.Met201Val)

Gene: TSC2 (TSC complex subunit 2; plus strand). Cytogenetic location: 16p13.3.
Variant type: single nucleotide variant.
Coding change: c.601A>G on transcript NM_000548.5 (MANE Select); coding-DNA position 601, A replaced by G.
Protein change: p.Met201Val; replaces methionine 201 with valine.
Molecular consequence: missense variant. On other transcripts: initiator codon variant (1).
Genome position (GRCh38, 1-based): chr16:2,056,197, A>G. VCF-style: chr16-2056197-A-G. GRCh37 (hg19) VCF-style: chr16-2106198-A-G.
Other names: c.601A>G, p.Met201Val (NM_001077183.3, NM_001114382.3, NM_001363528.2 and 3 more transcripts); c.490A>G, p.Met164Val (NM_001318827.2); c.454A>G, p.Met152Val (NM_001318829.2); c.1A>G, p.Met1Val (NM_001318831.2); c.634A>G, p.Met212Val (NM_001318832.2); short protein forms M152V, M201V, M164V, M1V, M212V.
Identifiers: ClinVar variation 946307 (VCV000946307.12), dbSNP rs1596275224, ClinGen allele CA394310605.